The following is an entry in ClinVar:

NM_001040108.2(MLH3):c.3259G>C (p.Val1087Leu)

Gene: MLH3 (mutL homolog 3; minus strand). Cytogenetic location: 14q24.3.
Variant type: single nucleotide variant.
Coding change: c.3259G>C on transcript NM_001040108.2 (MANE Select); coding-DNA position 3259, G replaced by C.
Protein change: p.Val1087Leu; replaces valine 1087 with leucine.
Molecular consequence: missense variant.
Genome position (GRCh38, 1-based): chr14:75,046,397, C>G on the plus strand (G>C on the coding strand, the complement: MLH3 is on the minus strand). VCF-style: chr14-75046397-C-G. GRCh37 (hg19) VCF-style: chr14-75513100-C-G.
Other names: c.3259G>C, p.Val1087Leu (NM_014381.3); short protein forms V1087L.
Identifiers: ClinVar variation 3396611 (VCV003396611.1).

ClinVar aggregate classification (germline): Uncertain significance (1 of 4 stars; one submission).

gnomAD v4.1: 2 of 1,614,202 alleles (0.00012%); highest among the groups gnomAD compares: Non-Finnish European, 0.000085%; no homozygotes.

Submission:

Ambry Genetics
Classification: Uncertain significance. Last evaluated: 2024-07-15. Review status: criteria provided, single submitter. Criteria: Ambry Variant Classification Scheme 2023. Collection method: clinical testing. Allele origin: germline.
Comment: The p.V1087L variant (also known as c.3259G>C), located in coding exon 1 of the MLH3 gene, results from a G to C substitution at nucleotide position 3259. The valine at codon 1087 is replaced by leucine, an amino acid with highly similar properties. This amino acid position is conserved. In addition, this alteration is predicted to be deleterious by in silico analysis. Based on the available evidence, the clinical significance of this variant remains unclear.